The following is an entry in ClinVar:

NM_001134382.3(IQSEC1):c.2836C>T (p.Arg946Trp)

Gene: IQSEC1 (IQ motif and Sec7 domain ArfGEF 1; minus strand). Cytogenetic location: 3p25.2.
Variant type: single nucleotide variant.
Coding change: c.2836C>T on transcript NM_001134382.3 (MANE Select); coding-DNA position 2836, C replaced by T.
Protein change: p.Arg946Trp; replaces arginine 946 with tryptophan.
Molecular consequence: missense variant. On other transcripts: 3 prime UTR variant (1), intron variant (1).
Genome position (GRCh38, 1-based): chr3:12,901,492, G>A on the plus strand (C>T on the coding strand, the complement: IQSEC1 is on the minus strand). VCF-style: chr3-12901492-G-A. GRCh37 (hg19) VCF-style: chr3-12942992-G-A.
Other names: c.*17C>T (NM_001330619.3); c.3160C>T, p.Arg1054Trp (NM_001376938.2); c.2847+1281C>T (NM_014869.8); short protein forms R1054W, R946W.
Identifiers: ClinVar variation 2364740 (VCV002364740.26), dbSNP rs1455683012, ClinGen allele CA351495362.

ClinVar aggregate classification (germline): Uncertain significance. Review status: criteria provided, multiple submitters, no conflicts (2 of 4 stars). 2 submissions from 2 submitters: Uncertain significance (2). Last evaluated 2022-08-01.

Allele frequency attached by ClinVar (database versions not stated): gnomAD 0.00002; TOPMed 0.00002.
gnomAD v4.1: 34 of 1,549,878 alleles (0.0022%); highest among the groups gnomAD compares: Non-Finnish European, 0.0028%; no homozygotes.

Submissions (2):

CeGaT Center for Human Genetics Tuebingen
Classification: Uncertain significance. Last evaluated: 2022-08-01. Review status: criteria provided, single submitter. Criteria: CeGaT Center For Human Genetics Tuebingen Variant Classification Criteria Version 2. Collection method: clinical testing. Allele origin: germline. Affected: yes. Observed: 1 variant allele.
Comment: IQSEC1: PM2

Ambry Genetics
Classification: Uncertain significance. Last evaluated: 2021-10-06. Review status: criteria provided, single submitter. Criteria: Ambry Variant Classification Scheme 2023. Collection method: clinical testing. Allele origin: germline.